The following is an entry in ClinVar:

ClinVar aggregate classification (germline): Uncertain significance (1 of 4 stars; one submission).

Conditions:
Familial episodic pain syndrome with predominantly lower limb involvement. Also called: Episodic pain syndrome, familial, 3. Identifiers: Orphanet 391384, Orphanet 391392, MedGen C3809899, MONDO:0014247, OMIM 615552.
Hereditary sensory and autonomic neuropathy type 7. Also called: HSAN VII; Neuropathy, hereditary sensory and autonomic, type VII. Identifiers: Orphanet 391397, MedGen C3809882, MONDO:0014244, OMIM 615548.

Allele frequency attached by ClinVar (database versions not stated): gnomAD exomes below 0.00001 and 0.00001; ExAC 0.00002.
gnomAD v4.1: 8 of 1,613,998 alleles (0.0005%); highest among the groups gnomAD compares: South Asian, 0.0055%; no homozygotes.

Submission:

Labcorp Genetics (formerly Invitae), Labcorp
Classification: Uncertain significance for Familial episodic pain syndrome with predominantly lower limb involvement; Hereditary sensory and autonomic neuropathy type 7. Last evaluated: 2022-03-03. Review status: criteria provided, single submitter. Criteria: Invitae Variant Classification Sherloc (09022015). Collection method: clinical testing. Allele origin: germline.
Comment: In summary, the available evidence is currently insufficient to determine the role of this variant in disease. Therefore, it has been classified as a Variant of Uncertain Significance. Algorithms developed to predict the effect of missense changes on protein structure and function (SIFT, PolyPhen-2, Align-GVGD) all suggest that this variant is likely to be disruptive. ClinVar contains an entry for this variant (Variation ID: 951076). This variant has not been reported in the literature in individuals affected with SCN11A-related conditions. This variant is present in population databases (rs751455677, gnomAD 0.006%). This sequence change replaces proline, which is neutral and non-polar, with arginine, which is basic and polar, at codon 1716 of the SCN11A protein (p.Pro1716Arg).

NM_001349253.2(SCN11A):c.5147C>G (p.Pro1716Arg)

Gene: SCN11A (sodium voltage-gated channel alpha subunit 11; minus strand). Cytogenetic location: 3p22.2.
Variant type: single nucleotide variant.
Coding change: c.5147C>G on transcript NM_001349253.2 (MANE Select); coding-DNA position 5147, C replaced by G.
Protein change: p.Pro1716Arg; replaces proline 1716 with arginine.
Molecular consequence: missense variant.
Genome position (GRCh38, 1-based): chr3:38,846,923, G>C on the plus strand (C>G on the coding strand, the complement: SCN11A is on the minus strand). VCF-style: chr3-38846923-G-C. GRCh37 (hg19) VCF-style: chr3-38888414-G-C.
Other names: c.5147C>G, p.Pro1716Arg (NM_014139.3); short protein forms P1716R.
Identifiers: ClinVar variation 951076 (VCV000951076.6), dbSNP rs751455677, ClinGen allele CA2321384.